The following is an entry in ClinVar:

ClinVar aggregate classification (germline): Uncertain significance (1 of 4 stars; one submission).

Conditions:
Renal cell carcinoma. Identifiers: Orphanet 217071, MedGen C0007134, MeSH D002292, MONDO:0005086, HP:0005584.

Submission:

Labcorp Genetics (formerly Invitae), Labcorp
Classification: Uncertain significance for Renal cell carcinoma. Last evaluated: 2024-04-22. Review status: criteria provided, single submitter. Criteria: Invitae Variant Classification Sherloc (09022015). Collection method: clinical testing. Allele origin: germline.
Comment: This sequence change creates a premature translational stop signal (p.Gln318*) in the MET gene. It is expected to result in an absent or disrupted protein product. However, the current clinical and genetic evidence is not sufficient to establish whether loss-of-function variants in MET cause disease. This variant is not present in population databases (gnomAD no frequency). This variant has not been reported in the literature in individuals affected with MET-related conditions. ClinVar contains an entry for this variant (Variation ID: 1002365). In summary, the available evidence is currently insufficient to determine the role of this variant in disease. Therefore, it has been classified as a Variant of Uncertain Significance.

NM_000245.4(MET):c.952C>T (p.Gln318Ter)

Gene: MET (MET proto-oncogene, receptor tyrosine kinase; plus strand). Cytogenetic location: 7q31.2.
Variant type: single nucleotide variant.
Coding change: c.952C>T on transcript NM_000245.4 (MANE Select); coding-DNA position 952, C replaced by T.
Protein change: p.Gln318Ter; replaces glutamine 318 with a stop codon.
Molecular consequence: nonsense. On other transcripts: intron variant (1).
Genome position (GRCh38, 1-based): chr7:116,700,036, C>T. VCF-style: chr7-116700036-C-T. GRCh37 (hg19) VCF-style: chr7-116340090-C-T.
Other names: c.952C>T, p.Gln318Ter (NM_001127500.3, NM_001324401.3); c.-91+27459C>T (NM_001324402.2); short protein forms Q318*.
Identifiers: ClinVar variation 1002365 (VCV001002365.6), dbSNP rs1791509642, ClinGen allele CA368970222.